The following is an entry in ClinVar:

ClinVar aggregate classification (germline): Benign. Review status: criteria provided, multiple submitters, no conflicts (2 of 4 stars). 4 submissions from 4 submitters: Benign (3). 1 of the submissions does not count toward it. Last evaluated 2021-05-11.

Conditions:
Smith-Lemli-Opitz syndrome (SLOS). Also called: LETHAL ACRODYSGENITAL SYNDROME; POLYDACTYLY, SEX REVERSAL, RENAL HYPOPLASIA, AND UNILOBAR LUNG; RSH SYNDROME; RUTLEDGE LETHAL MULTIPLE CONGENITAL ANOMALY SYNDROME; 7-Dehydrocholesterol reductase deficiency. Identifiers: Orphanet 818, MedGen C0175694, MONDO:0010035, OMIM 270400.

Allele frequency attached by ClinVar (database versions not stated): 1000 Genomes Project 0.35343; 1000 Genomes Project 30x 0.35431; gnomAD exomes 0.50840; TOPMed 0.54315.
gnomAD v4.1: 81,531 of 152,406 alleles (53%); highest among the groups gnomAD compares: Non-Finnish European, 74%; 25,723 homozygotes.

Submissions (4):

GeneDx
Classification: Benign. Last evaluated: 2021-05-11. Review status: criteria provided, single submitter. Criteria: GeneDx Variant Classification Process June 2021. Collection method: clinical testing. Allele origin: germline. Affected: yes.

Illumina Laboratory Services, Illumina
Classification: Benign for Smith-Lemli-Opitz syndrome. Last evaluated: 2018-01-13. Review status: criteria provided, single submitter. Criteria: ICSL Variant Classification Criteria 13 December 2019. Collection method: clinical testing. Allele origin: germline.
Comment: This variant was observed in the ICSL laboratory as part of a predisposition screen in an ostensibly healthy population. It had not been previously curated by ICSL or reported in the Human Gene Mutation Database (HGMD: prior to June 1st, 2018), and was therefore a candidate for classification through an automated scoring system. Utilizing variant allele frequency, disease prevalence and penetrance estimates, and inheritance mode, an automated score was calculated to assess if this variant is too frequent to cause the disease. Based on the score and internal cut-off values, a variant classified as benign is not then subjected to further curation. The score for this variant resulted in a classification of benign for this disease.

Breakthrough Genomics
Classification: Benign. Review status: criteria provided, single submitter. Criteria: ACMG Guidelines, 2015. Collection method: not provided. Allele origin: germline. Inheritance: Autosomal recessive inheritance. Affected: yes.

Natera, Inc.
Classification: Benign for Smith-Lemli-Opitz syndrome. Last evaluated: 2017-05-05. Review status: no assertion criteria provided. Collection method: clinical testing. Allele origin: germline. Not counted in ClinVar's aggregate classification.

NM_001360.3(DHCR7):c.-225C>T

Gene: DHCR7 (7-dehydrocholesterol reductase; minus strand). Cytogenetic location: 11q13.4.
Variant type: single nucleotide variant.
Coding change: c.-225C>T on transcript NM_001360.3 (MANE Select); 225 bases upstream of the start codon, C replaced by T.
Molecular consequence: 5 prime UTR variant.
Genome position (GRCh38, 1-based): chr11:71,448,383, G>A on the plus strand (C>T on the coding strand, the complement: DHCR7 is on the minus strand). VCF-style: chr11-71448383-G-A. GRCh37 (hg19) VCF-style: chr11-71159429-G-A.
Other names: c.-202C>T (NM_001163817.2).
Identifiers: ClinVar variation 305969 (VCV000305969.12), dbSNP rs4944946, ClinGen allele CA10639338.